The following is an entry in ClinVar:

NM_002880.4(RAF1):c.1109-13A>G

Gene: RAF1 (Raf-1 proto-oncogene, serine/threonine kinase; minus strand). Cytogenetic location: 3p25.2.
Variant type: single nucleotide variant.
Coding change: c.1109-13A>G on transcript NM_002880.4 (MANE Select); 13 bases into the intron before coding-DNA position 1109, A replaced by G.
Molecular consequence: intron variant. On other transcripts: non-coding transcript variant (1).
Genome position (GRCh38, 1-based): chr3:12,591,805, T>C on the plus strand (A>G on the coding strand, the complement: RAF1 is on the minus strand). VCF-style: chr3-12591805-T-C. GRCh37 (hg19) VCF-style: chr3-12633304-T-C.
Other names: c.767-13A>G (NM_001354695.3); c.866-13A>G (NM_001354692.3, NM_001354691.3); c.926-13A>G (NM_001354694.3); c.1010-13A>G (NM_001354693.3); c.1169-13A>G (NM_001354689.3); c.1109-13A>G (NM_001354690.3).
Identifiers: ClinVar variation 3662354 (VCV003662354.2).

ClinVar aggregate classification (germline): Uncertain significance (1 of 4 stars; one submission).

Conditions:
RASopathy. Also called: Noonan spectrum disorder; rasopathies. Identifiers: Orphanet 536391, MedGen C5555857, MONDO:0021060.

Submission:

Labcorp Genetics (formerly Invitae), Labcorp
Classification: Uncertain significance for RASopathy. Last evaluated: 2024-08-14. Review status: criteria provided, single submitter. Criteria: Invitae Variant Classification Sherloc (09022015). Collection method: clinical testing. Allele origin: germline.
Comment: This sequence change falls in intron 10 of the RAF1 gene. It does not directly change the encoded amino acid sequence of the RAF1 protein. This variant is not present in population databases (gnomAD no frequency). This variant has not been reported in the literature in individuals affected with RAF1-related conditions. Algorithms developed to predict the effect of sequence changes on RNA splicing suggest that this variant may create or strengthen a splice site. In summary, the available evidence is currently insufficient to determine the role of this variant in disease. Therefore, it has been classified as a Variant of Uncertain Significance.